The following is an entry in ClinVar:

NM_000070.3(CAPN3):c.903C>A (p.Asp301Glu)

Gene: CAPN3 (calpain 3; plus strand). Cytogenetic location: 15q15.1.
Variant type: single nucleotide variant.
Coding change: c.903C>A on transcript NM_000070.3 (MANE Select); coding-DNA position 903, C replaced by A.
Protein change: p.Asp301Glu; replaces aspartic acid 301 with glutamic acid.
Molecular consequence: missense variant. On other transcripts: intron variant (1).
Genome position (GRCh38, 1-based): chr15:42,390,054, C>A. VCF-style: chr15-42390054-C-A. GRCh37 (hg19) VCF-style: chr15-42682252-C-A.
Other names: c.903C>A, p.Asp301Glu (NM_024344.2); c.801+958C>A (NM_173087.2); short protein forms D301E.
Identifiers: ClinVar variation 1052250 (VCV001052250.9), dbSNP rs2141170523, ClinGen allele CA391998640.
Genomic context (GRCh38, chr15:42,390,054, plus strand): 5'-GAACATGGGGGAGTTGATTGCACGGATGGTAAGGAATATGGATAACTCACTGCTCCAGGA[C>A]TCAGACCTCGACCCCAGAGGCTCAGATGAAAGACCGACCCGGGTGTGTACACCTCCGATT-3'
Protein context (NP_000061.1, residues 291-311): VRNMDNSLLQ[Asp301Glu]SDLDPRGSDE

ClinVar aggregate classification (germline): Uncertain significance (1 of 4 stars; one submission).

Conditions:
Autosomal recessive limb-girdle muscular dystrophy type 2A (LGMDR1). Also called: Muscular dystrophy, limb-girdle, type 2A, Amish; LEYDEN-MOEBIUS MUSCULAR DYSTROPHY; MUSCULAR DYSTROPHY, PELVOFEMORAL; Limb-girdle muscular dystrophy, type 2A; Calpainopathy. Identifiers: Orphanet 267, MedGen C1869123, MONDO:0009675, OMIM 253600. Disease mechanism: loss of function.

Submission:

Labcorp Genetics (formerly Invitae), Labcorp
Classification: Uncertain significance for Autosomal recessive limb-girdle muscular dystrophy type 2A. Last evaluated: 2022-01-14. Review status: criteria provided, single submitter. Criteria: Invitae Variant Classification Sherloc (09022015). Collection method: clinical testing. Allele origin: germline.
Comment: This sequence change replaces aspartic acid, which is acidic and polar, with glutamic acid, which is acidic and polar, at codon 301 of the CAPN3 protein (p.Asp301Glu). This variant is not present in population databases (gnomAD no frequency). In summary, the available evidence is currently insufficient to determine the role of this variant in disease. Therefore, it has been classified as a Variant of Uncertain Significance. Algorithms developed to predict the effect of missense changes on protein structure and function (SIFT, PolyPhen-2, Align-GVGD) all suggest that this variant is likely to be tolerated. ClinVar contains an entry for this variant (Variation ID: 1052250). This variant has not been reported in the literature in individuals affected with CAPN3-related conditions.